The following is an entry in ClinVar:

NM_000268.4(NF2):c.806A>G (p.Lys269Arg)

Gene: NF2 (NF2, moesin-ezrin-radixin like (MERLIN) tumor suppressor; plus strand). Cytogenetic location: 22q12.2.
Variant type: single nucleotide variant.
Coding change: c.806A>G on transcript NM_000268.4 (MANE Select); coding-DNA position 806, A replaced by G.
Protein change: p.Lys269Arg; replaces lysine 269 with arginine.
Molecular consequence: missense variant. On other transcripts: non-coding transcript variant (1), intron variant (4).
Genome position (GRCh38, 1-based): chr22:29,661,335, A>G. VCF-style: chr22-29661335-A-G. GRCh37 (hg19) VCF-style: chr22-30057324-A-G.
Other names: c.692A>G, p.Lys231Arg (NM_001407053.1, NM_001407056.1); c.683A>G, p.Lys228Arg (NM_001407054.1, NM_001407058.1, NM_181829.3); c.680A>G, p.Lys227Arg (NM_001407055.1, NM_181828.3); c.806A>G, p.Lys269Arg (NM_001407060.1, NM_001407066.1, NM_016418.5 and 2 more transcripts); c.557A>G, p.Lys186Arg (NM_001407063.1, NM_001407064.1, NM_181830.3 and 1 more transcripts); c.272A>G, p.Lys91Arg (NM_001407065.1); c.575A>G, p.Lys192Arg (NM_001407067.1); c.675+3071A>G (NM_001407059.1, NM_001407057.1); and 2 more; short protein forms K192R, K186R, K228R, K269R, K91R, K227R, K231R.
Identifiers: ClinVar variation 3404984 (VCV003404984.1).

ClinVar aggregate classification (germline): Uncertain significance (1 of 4 stars; one submission).

Conditions:
Hereditary cancer-predisposing syndrome. Also called: Hereditary Cancer Syndrome; Tumor predisposition; Hereditary neoplastic syndrome; Neoplastic Syndromes, Hereditary. Identifiers: Orphanet 140162, MedGen C0027672, MeSH D009386, MONDO:0015356.

Submission:

Ambry Genetics
Classification: Uncertain significance for Hereditary cancer-predisposing syndrome. Last evaluated: 2024-08-06. Review status: criteria provided, single submitter. Criteria: Ambry Variant Classification Scheme 2023. Collection method: clinical testing. Allele origin: germline.
Comment: The p.K269R variant (also known as c.806A>G), located in coding exon 8 of the NF2 gene, results from an A to G substitution at nucleotide position 806. The lysine at codon 269 is replaced by arginine, an amino acid with highly similar properties. This amino acid position is highly conserved in available vertebrate species. In addition, the in silico prediction for this alteration is inconclusive. Based on the available evidence, the clinical significance of this variant remains unclear.